The following is an entry in ClinVar:

ClinVar aggregate classification (germline): Uncertain significance. Review status: criteria provided, multiple submitters, no conflicts (2 of 4 stars). 3 submissions from 2 submitters: Uncertain significance (3). Last evaluated 2023-01-31.

Conditions:
Waardenburg syndrome. Also called: Waardenburg's syndrome. Identifiers: Orphanet 3440, MedGen C3266898, MONDO:0018094.
PCWH syndrome. Also called: WAARDENBURG-SHAH SYNDROME, NEUROLOGIC VARIANT. Identifiers: Orphanet 163746, MedGen C1836727, MONDO:0012198, OMIM 609136.

Allele frequency attached by ClinVar (database versions not stated): gnomAD 0.00001; TOPMed 0.00001; gnomAD exomes below 0.00001.
gnomAD v4.1: 7 of 1,613,682 alleles (0.00043%); highest among the groups gnomAD compares: Admixed American, 0.0017%; no homozygotes.

Submissions (3):

GeneDx
Classification: Uncertain significance. Last evaluated: 2023-01-31. Review status: criteria provided, single submitter. Criteria: GeneDx Variant Classification Process June 2021. Collection method: clinical testing. Allele origin: germline. Affected: yes.
Comment: Not observed at significant frequency in large population cohorts (gnomAD); In silico analysis supports that this missense variant has a deleterious effect on protein structure/function; Has not been previously published as pathogenic or benign to our knowledge

Illumina Laboratory Services, Illumina
Classification: Uncertain significance for PCWH syndrome. Last evaluated: 2018-01-13. Review status: criteria provided, single submitter. Criteria: ICSL Variant Classification Criteria 13 December 2019. Collection method: clinical testing. Allele origin: germline.

Illumina Laboratory Services, Illumina
Classification: Uncertain significance for Waardenburg syndrome. Last evaluated: 2018-01-13. Review status: criteria provided, single submitter. Criteria: ICSL Variant Classification Criteria 13 December 2019. Collection method: clinical testing. Allele origin: germline.

NM_006941.4(SOX10):c.1244C>T (p.Ser415Leu)

Genes: POLR2F (RNA polymerase II, I and III subunit F; plus strand), SOX10 (SRY-box transcription factor 10; minus strand). Cytogenetic location: 22q13.1.
Variant type: single nucleotide variant.
Coding change: c.1244C>T on transcript NM_006941.4 (MANE Select); coding-DNA position 1244, C replaced by T.
Protein change: p.Ser415Leu; replaces serine 415 with leucine.
Molecular consequence: missense variant. On other transcripts: intron variant (3).
Genome position (GRCh38, 1-based): chr22:37,973,652, G>A on the plus strand (C>T on the coding strand, the complement: SOX10 is on the minus strand). VCF-style: chr22-37973652-G-A. GRCh37 (hg19) VCF-style: chr22-38369659-G-A.
Other names: c.*38+1342G>A (NM_001363825.1); c.293+6482G>A (NM_001301130.2, NM_001301131.2); short protein forms S415L.
Identifiers: ClinVar variation 900755 (VCV000900755.7), dbSNP rs1348367862, ClinGen allele CA411489286.